The following is an entry in ClinVar:

ClinVar aggregate classification (germline): Pathogenic (1 of 4 stars; one submission).

Conditions:
Familial cancer of breast. Also called: Hereditary breast cancer; BREAST CANCER, FAMILIAL; hereditary breast carcinoma. Identifiers: Orphanet 227535, MedGen C0346153, MONDO:0016419, OMIM 114480. Disease mechanism: loss of function.

Submission:

Myriad Genetics, Inc.
Classification: Pathogenic for Familial cancer of breast. Last evaluated: 2023-09-12. Review status: criteria provided, single submitter. Criteria: Myriad Autosomal Dominant, Autosomal Recessive and X-Linked Classification Criteria (2023). Collection method: clinical testing. Allele origin: unknown.
Comment: This variant is considered pathogenic. This variant creates a frameshift predicted to result in premature protein truncation.

NM_024675.4(PALB2):c.2128dup (p.Thr710fs)

Gene: PALB2 (partner and localizer of BRCA2; minus strand). Cytogenetic location: 16p12.2.
Variant type: Duplication.
Coding change: c.2128dup on transcript NM_024675.4 (MANE Select); coding-DNA position 2128, one base duplicated (A; older notation c.2128dupA).
Protein change: p.Thr710fs; shifts the reading frame from threonine 710.
Molecular consequence: frameshift variant. On other transcripts: intron variant (1).
Genome position (GRCh38, 1-based): chr16:23,630,026, T duplicated on the plus strand (A on the coding strand, the reverse complement: PALB2 is on the minus strand). VCF-style (leftmost placement, unchanged base first): chr16-23630025-G-GT. GRCh37 (hg19) VCF-style: chr16-23641346-G-GT.
Other names: c.2068dup, p.Thr690fs (NM_001407296.1); c.2128dup, p.Thr710fs (NM_001407297.1, NM_001407298.1, NM_001407299.1 and 3 more transcripts); c.1243dup, p.Thr415fs (NM_001407304.1, NM_001407305.1, NM_001407306.1 and 5 more transcripts); c.340dup, p.Thr114fs (NM_001407312.1, NM_001407313.1); c.49-751dup (NM_001407314.1); short protein forms T114fs, T415fs, T690fs, T710fs.
Identifiers: ClinVar variation 2674109 (VCV002674109.1), dbSNP rs2506421760, ClinGen allele CA2695197498.